The following is an entry in ClinVar:

NM_000038.6(APC):c.863C>T (p.Thr288Ile)

Gene: APC (APC regulator of Wnt signaling pathway; plus strand). Cytogenetic location: 5q22.2.
Variant type: single nucleotide variant.
Coding change: c.863C>T on transcript NM_000038.6 (MANE Select); coding-DNA position 863, C replaced by T.
Protein change: p.Thr288Ile; replaces threonine 288 with isoleucine.
Molecular consequence: missense variant.
Genome position (GRCh38, 1-based): chr5:112,815,523, C>T. VCF-style: chr5-112815523-C-T. GRCh37 (hg19) VCF-style: chr5-112151220-C-T.
Other names: c.686C>T, p.Thr229Ile (NM_001354901.2, NM_001354905.2, NM_001354900.2); c.893C>T, p.Thr298Ile (NM_001354902.2, NM_001354897.2); c.863C>T, p.Thr288Ile (NM_001354903.2, NM_001127510.3, NM_001354895.2 and 1 more transcripts); c.788C>T, p.Thr263Ile (NM_001354904.2, NM_001354898.2); c.14C>T, p.Thr5Ile (NM_001354906.2); c.809C>T, p.Thr270Ile (NM_001127511.3); c.779C>T, p.Thr260Ile (NM_001354899.2); short protein forms T270I, T298I, T260I, T263I, T288I, T5I, T229I.
Identifiers: ClinVar variation 652234 (VCV000652234.15), dbSNP rs1580511667, ClinGen allele CA16023209.

ClinVar aggregate classification (germline): Uncertain significance. Review status: criteria provided, multiple submitters, no conflicts (2 of 4 stars). 2 submissions from 2 submitters: Uncertain significance (2). Last evaluated 2024-03-02.

Conditions:
Hereditary cancer-predisposing syndrome. Also called: Neoplastic Syndromes, Hereditary; Tumor predisposition; Hereditary Cancer Syndrome; Hereditary neoplastic syndrome. Identifiers: Orphanet 140162, MedGen C0027672, MeSH D009386, MONDO:0015356.
Familial adenomatous polyposis 1 (FAP1). Also called: POLYPOSIS, ADENOMATOUS INTESTINAL; FAMILIAL ADENOMATOUS POLYPOSIS 1, ATTENUATED. Identifiers: MedGen C2713442, MONDO:0021056, OMIM 175100. Disease mechanism: loss of function.
Neoplasm of stomach. Also called: Stomach Neoplasms; Gastric neoplasm; Neoplasm of the stomach. Identifiers: MedGen C0038356, MONDO:0021085, HP:0006753. Disease mechanism: gain of function. Inheritance: Somatic mutation.

Submissions (2):

Labcorp Genetics (formerly Invitae), Labcorp
Classification: Uncertain significance for Familial adenomatous polyposis 1. Last evaluated: 2024-03-02. Review status: criteria provided, single submitter. Criteria: Invitae Variant Classification Sherloc (09022015). Collection method: clinical testing. Allele origin: germline.
Comment: This sequence change replaces threonine, which is neutral and polar, with isoleucine, which is neutral and non-polar, at codon 288 of the APC protein (p.Thr288Ile). This variant is not present in population databases (gnomAD no frequency). This variant has not been reported in the literature in individuals affected with APC-related conditions. ClinVar contains an entry for this variant (Variation ID: 652234). Advanced modeling of protein sequence and biophysical properties (such as structural, functional, and spatial information, amino acid conservation, physicochemical variation, residue mobility, and thermodynamic stability) performed at Invitae indicates that this missense variant is not expected to disrupt APC protein function with a negative predictive value of 95%. In summary, the available evidence is currently insufficient to determine the role of this variant in disease. Therefore, it has been classified as a Variant of Uncertain Significance.

Ambry Genetics
Classification: Uncertain significance for Hereditary cancer-predisposing syndrome. Last evaluated: 2021-06-22. Review status: criteria provided, single submitter. Criteria: Ambry Variant Classification Scheme 2023. Collection method: clinical testing. Allele origin: germline.
Comment: The p.T288I variant (also known as c.863C>T), located in coding exon 8 of the APC gene, results from a C to T substitution at nucleotide position 863. The threonine at codon 288 is replaced by isoleucine, an amino acid with similar properties. This amino acid position is poorly conserved in available vertebrate species. In addition, in silico predictors for this gene do not accurately predict pathogenicity. Since supporting evidence is limited at this time, the clinical significance of this alteration remains unclear.